The following is an entry in ClinVar:

NM_006521.6(TFE3):c.569_583del (p.His190_Ala194del)

Gene: TFE3 (transcription factor binding to IGHM enhancer 3; minus strand). Cytogenetic location: Xp11.23.
Variant type: Deletion.
Coding change: c.569_583del on transcript NM_006521.6 (MANE Select); coding-DNA positions 569 to 583, 15 bases deleted (ACCTGCAGCAGGCGC).
Protein change: p.His190_Ala194del.
Molecular consequence: inframe deletion.
Genome position (GRCh38, 1-based): chrX:49,038,394-49,038,408, GCGCCTGCTGCAGGT deleted on the plus strand (ACCTGCAGCAGGCGC on the coding strand, the reverse complement: TFE3 is on the minus strand); deleting any 15 consecutive bases within chrX:49,038,394-49,038,409 gives the same sequence; the c. name uses the placement nearest the transcript's 3' end. VCF-style (leftmost placement, unchanged base first): chrX-49038393-CGCGCCTGCTGCAGGT-C. GRCh37 (hg19) VCF-style: chrX-48895918-CGCGCCTGCTGCAGGT-C.
Other names: c.254_268del, p.His85_Ala89del (NM_001282142.2).
Identifiers: ClinVar variation 1333284 (VCV001333284.1), dbSNP rs2147776427, ClinGen allele CA2573055344.

ClinVar aggregate classification (germline): Uncertain significance (1 of 4 stars; one submission).

Conditions:
Intellectual developmental disorder, X-linked, syndromic, with pigmentary mosaicism and coarse facies. Identifiers: MedGen C5561930, MONDO:0859080, OMIM 301066.

Submission:

3billion
Classification: Uncertain significance for Intellectual developmental disorder, X-linked, syndromic, with pigmentary mosaicism and coarse facies. Last evaluated: 2022-01-03. Review status: criteria provided, single submitter. Criteria: ACMG Guidelines, 2015. Collection method: clinical testing. Allele origin: germline. Affected: yes. Observed: 1 heterozygote.
Comment: This inframe deletion in the non-repeat region can change the length of the protein and disrupt protein function (PM4_M). It is not observed in the gnomAD v2.1.1 dataset (PM2_M).Therefore, this variant is classified as uncertain significance according to the recommendation of ACMG/AMP guideline.